The following is an entry in ClinVar:

ClinVar aggregate classification (germline): Uncertain significance (1 of 4 stars; one submission).

Conditions:
Cardiovascular phenotype. Identifiers: MedGen CN230736.

Submission:

Ambry Genetics
Classification: Uncertain significance for Cardiovascular phenotype. Last evaluated: 2024-12-31. Review status: criteria provided, single submitter. Criteria: Ambry Variant Classification Scheme 2023. Collection method: clinical testing. Allele origin: germline.
Comment: The p.H501Y variant (also known as c.1501C>T), located in coding exon 12 of the JAG1 gene, results from a C to T substitution at nucleotide position 1501. The histidine at codon 501 is replaced by tyrosine, an amino acid with similar properties. This amino acid position is conserved. In addition, the in silico prediction for this alteration is inconclusive. Based on the available evidence, the clinical significance of this variant remains unclear.

NM_000214.3(JAG1):c.1501C>T (p.His501Tyr)

Gene: JAG1 (jagged canonical Notch ligand 1; minus strand). Cytogenetic location: 20p12.2.
Variant type: single nucleotide variant.
Coding change: c.1501C>T on transcript NM_000214.3 (MANE Select); coding-DNA position 1501, C replaced by T.
Protein change: p.His501Tyr; replaces histidine 501 with tyrosine.
Molecular consequence: missense variant.
Genome position (GRCh38, 1-based): chr20:10,648,617, G>A on the plus strand (C>T on the coding strand, the complement: JAG1 is on the minus strand). VCF-style: chr20-10648617-G-A. GRCh37 (hg19) VCF-style: chr20-10629265-G-A.
Other names: short protein forms H501Y.
Identifiers: ClinVar variation 3862097 (VCV003862097.1).
Genomic context (GRCh38, chr20:10,648,617, plus strand): 5'-GGTTTCCAGAGAAACCAGTGGGACACAGACACTGGAATCTGTTGATTTCATTCTGACAGT[G>A]ACCCCCATTCAAACAGGGGTTGCTGGCACATTCATCGATGTCTCTCTCACAGTGATCGCC-3'
Protein context (NP_000205.1, residues 491-511): CASNPCLNGG[His501Tyr]CQNEINRFQC